The following is an entry in ClinVar:

ClinVar aggregate classification (germline): Pathogenic/Likely pathogenic. Review status: criteria provided, multiple submitters, no conflicts (2 of 4 stars). 12 submissions from 12 submitters: Pathogenic (6); Likely pathogenic (2). 4 of the submissions do not count toward it. Last evaluated 2025-03-07.

Conditions:
SRD5A2-related disorder. Also called: SRD5A2-related condition.
3-Oxo-5 alpha-steroid delta 4-dehydrogenase deficiency (PPSH). Also called: PSEUDOVAGINAL PERINEOSCROTAL HYPOSPADIAS; 46,XY disorder of sex development due to 5-alpha-reductase 2 deficiency; FAMILIAL INCOMPLETE MALE PSEUDOHERMAPHRODITISM, TYPE 2; MALE PSEUDOHERMAPHRODITISM DUE TO 5-ALPHA-REDUCTASE DEFICIENCY. Identifiers: Orphanet 753, MedGen C0268297, MONDO:0009923, OMIM 264600. Disease mechanism: loss of function.

Allele frequency attached by ClinVar (database versions not stated): gnomAD exomes 0.00007 and 0.00014; gnomAD 0.00015; TOPMed 0.00015; 1000 Genomes Project 30x 0.00016; ExAC 0.00022.
gnomAD v4.1: 128 of 1,613,802 alleles (0.0079%); highest among the groups gnomAD compares: African/African-American, 0.037%; 1 homozygote.

Submissions (12):

Labcorp Genetics (formerly Invitae), Labcorp
Classification: Pathogenic for 3-Oxo-5 alpha-steroid delta 4-dehydrogenase deficiency. Last evaluated: 2025-03-07. Review status: criteria provided, single submitter. Criteria: Invitae Variant Classification Sherloc (09022015). Collection method: clinical testing. Allele origin: germline.
Comment: This sequence change replaces glycine, which is neutral and non-polar, with serine, which is neutral and polar, at codon 196 of the SRD5A2 protein (p.Gly196Ser). This variant is present in population databases (rs121434250, gnomAD 0.03%). This missense change has been observed in individual(s) with steroid 5-alpha-reductase deficiency (PMID: 18391525, 21147889, 21402750). It has also been observed to segregate with disease in related individuals. ClinVar contains an entry for this variant (Variation ID: 3345). Invitae Evidence Modeling of protein sequence and biophysical properties (such as structural, functional, and spatial information, amino acid conservation, physicochemical variation, residue mobility, and thermodynamic stability) indicates that this missense variant is not expected to disrupt SRD5A2 protein function with a negative predictive value of 80%. Experimental studies have shown that this missense change affects SRD5A2 function (PMID: 1522235). For these reasons, this variant has been classified as Pathogenic.

Genomic Research Center, Shahid Beheshti University of Medical Sciences
Classification: Pathogenic for 3-Oxo-5 alpha-steroid delta 4-dehydrogenase deficiency. Last evaluated: 2024-12-03. Review status: criteria provided, single submitter. Criteria: ACMG Guidelines, 2015. Collection method: clinical testing. Allele origin: unknown. Affected: yes. Observed: 1 variant allele.

Fulgent Genetics
Classification: Pathogenic for 3-Oxo-5 alpha-steroid delta 4-dehydrogenase deficiency. Last evaluated: 2024-06-18. Review status: criteria provided, single submitter. Criteria: ACMG Guidelines, 2015. Collection method: clinical testing. Allele origin: germline.

Clinical Biochemistry Laboratory, Health Services Laboratory
Classification: Pathogenic for 3-Oxo-5 alpha-steroid delta 4-dehydrogenase deficiency. Last evaluated: 2023-11-20. Review status: criteria provided, single submitter. Criteria: ACMG Guidelines, 2015. Collection method: clinical testing. Allele origin: germline. Affected: yes.
Comment: ACMG:PS5 PM2 PM3 PP4 PP5

Blueprint Genetics
Classification: Pathogenic for SRD5A2-related disorders. Last evaluated: 2023-09-25. Review status: criteria provided, single submitter. Criteria: ACMG Guidelines, 2015. Collection method: clinical testing. Allele origin: germline. Affected: yes. Observed: 5 variant alleles.

Genetic Services Laboratory, University of Chicago
Classification: Likely pathogenic. Last evaluated: 2023-03-01. Review status: criteria provided, single submitter. Criteria: ACMG Guidelines, 2015. Collection method: clinical testing. Allele origin: germline. Affected: yes.
Comment: DNA sequence analysis of the SRD5A2 gene demonstrated a sequence change, c.586G>A, in exon 4 that results in an amino acid change, p.Gly196Ser. This sequence change has been reported in the bi-allelic state in several individuals with disorders of sexual development and normal 46, XY karyotypes (PMIDs: 33368459, 33099786, 33516834, 28110336, 24737579, 1522235). This sequence change in the compound heterozygous state was found to segregate with disease in three brothers with ambiguous genitalia and a clinical diagnosis of steroid 5-alpha-reductase 2 deficiency (PMID: 9745434). This sequence change has been described in the gnomAD database with a frequency of 0.013% in the overall population (dbSNP rs121434250). The p.Gly196Ser amino acid change occurs in a region of the SRD5A2 gene where other missense sequence changes have been described in individuals with SRD5A2-related disorders. The p.Gly196Ser change affects a highly conserved amino acid residue located in a domain of the SRD5A2 protein that is known to be functional. Functional studies have indicated that this sequence change decreases the affinity of the enzyme for NADPH (PMID: 1522235, 8110760). In-silico pathogenicity prediction tools (SIFT, PolyPhen2, Align GVGD, REVEL) provide contradictory results for the p.Gly196Ser substitution. These collective evidences indicate that this change is likely pathogenic.

Victorian Clinical Genetics Services, Murdoch Childrens Research Institute
Classification: Pathogenic for 3-Oxo-5 alpha-steroid delta 4-dehydrogenase deficiency. Last evaluated: 2021-05-06. Review status: criteria provided, single submitter. Criteria: ACMG Guidelines, 2015. Collection method: clinical testing. Allele origin: germline. Inheritance: Autosomal recessive inheritance. Affected: yes.
Comment: Based on the classification scheme VCGS_Germline_v1.3.4, this variant is classified as Pathogenic. Following criteria are met: 0102 - Loss of function is a known mechanism of disease in this gene and is associated with pseudovaginal perineoscrotal hypospadias (MIM#264600). (I) 0106 - This gene is associated with autosomal recessive disease. (I) 0200 - Variant is predicted to result in a missense amino acid change from glycine to serine. (I) 0251 - This variant is heterozygous. (I) 0304 - Variant is present in gnomAD (v2) <0.01 for a recessive condition (37 heterozygotes, 0 homozygotes). (SP) 0502 - Missense variant with conflicting in silico predictions and very high conservation. (I) 0600 - Variant is located in the annotated steroid dehydrogenase domain (NCBI, PDB). (I) 0702 – Other missense variants comparable to the one identified in this case have strong previous evidence for pathogenicity. Residue 196 is considered to be a hotspot, with alternative changes to aspartic acid and arginine previously reported in individuals with pseudovaginal perineoscrotal hypospadias (MIM#264600) (ClinVar, PMIDs: 21402750, 28663096, 32346305). (SP) 0801 - This variant has strong previous evidence of pathogenicity in unrelated individuals. The variant has previously been reported, in either a homozygous or compound heterozygous state, in multiple individuals with pseudovaginal perineoscrotal hypospadias (MIM#264600) (ClinVar, HGMD, PMIDs: 1522235, 25248670, 28110336). (SP) 1002 - This variant has moderate functional evidence supporting abnormal protein function. The variant has been shown the result in decreased enzyme activity and a reduced affinity for NADPH (PMID: 1522235). (SP) 1208 - Inheritance information for this variant is not currently available in this individual. (I) Legend: (SP) - Supporting pathogenic, (I) - Information, (SB) - Supporting benign

Clinical Genetics and Genomics, Karolinska University Hospital
Classification: Likely pathogenic. Last evaluated: 2020-01-31. Review status: criteria provided, single submitter. Criteria: ACMG Guidelines, 2015. Collection method: clinical testing. Allele origin: germline. Affected: yes. Observed: 1 variant allele.

PreventionGenetics, part of Exact Sciences
Classification: Pathogenic for SRD5A2-related condition. Last evaluated: 2024-09-20. Review status: no assertion criteria provided. Collection method: clinical testing. Allele origin: germline. Not counted in ClinVar's aggregate classification.
Comment: The SRD5A2 c.586G>A variant is predicted to result in the amino acid substitution p.Gly196Ser. This variant has been reported in the homozygous and compound heterozygous state in several individuals with steroid 5-alpha-reductase deficiency (see, for example, Thigpen et al. 1992. PubMed ID: 1522235; Table 3, Akcay et al. 2014. PubMed ID: 24737579; Abacı et al. 2018. PubMed ID: 30132287) and was found to segregate with a second pathogenic variant in a family with 5-alpha-reductase deficiency (Nordenskjöld and Ivarsson. 1998. PubMed ID: 9745434). In vitro functional studies using HEK 293 cells show reduced affinity to NADPH and an increase in optimal pH; however, it does not seem to have an effect on testosterone activity (Thigpen et al. 1992. PubMed ID: 1522235). This variant is predicted to alter splicing based on available splicing prediction programs (SpliceAI, Jaganathan et al. 2019. PubMed ID: 30661751). An alternate nucleotide change affecting the same amino acid (c.587G>T; p.Gly196Val) has been reported in individuals with 5-alpha-reductase deficiency (Cheng et al. 2019. PubMed ID: 31031332; Liu et al. 2022. PubMed ID: 35700942). This variant is reported in 0.029% of alleles in individuals of African descent in gnomAD. This variant is interpreted as pathogenic.

Clinical Genetics Laboratory, University Hospital Schleswig-Holstein
Classification: Pathogenic for 3-Oxo-5 alpha-steroid delta 4-dehydrogenase deficiency. Last evaluated: 2023-11-10. Review status: no assertion criteria provided. Collection method: clinical testing. Allele origin: biparental. Affected: yes. Not counted in ClinVar's aggregate classification.

Clinical Molecular Genetics Laboratory, Johns Hopkins All Children's Hospital
Classification: Pathogenic for 3-Oxo-5 alpha-steroid delta 4-dehydrogenase deficiency. Last evaluated: 2011-04-19. Review status: no assertion criteria provided. Collection method: clinical testing. Allele origin: germline. Affected: yes. Not counted in ClinVar's aggregate classification.

OMIM
Classification: Pathogenic for PSEUDOVAGINAL PERINEOSCROTAL HYPOSPADIAS. Last evaluated: 1998-09-01. Review status: no assertion criteria provided. Collection method: literature only. Allele origin: germline. Not counted in ClinVar's aggregate classification.

Literature cited by the submitters: PubMed 18391525 (cited by Labcorp Genetics (formerly Invitae), Labcorp); PubMed 21147889 (cited by Labcorp Genetics (formerly Invitae), Labcorp); PubMed 21402750 (cited by 3 submitters); PubMed 1522235 (cited by 3 submitters); PubMed 25248670 (cited by Victorian Clinical Genetics Services, Murdoch Childrens Research Institute); PubMed 28110336 (cited by Victorian Clinical Genetics Services, Murdoch Childrens Research Institute); PubMed 28663096 (cited by Victorian Clinical Genetics Services, Murdoch Childrens Research Institute); PubMed 32346305 (cited by Victorian Clinical Genetics Services, Murdoch Childrens Research Institute); PubMed 9745434 (cited by OMIM); PubMed 8706317 (cited by OMIM).

NM_000348.4(SRD5A2):c.586G>A (p.Gly196Ser)

Gene: SRD5A2 (steroid 5 alpha-reductase 2; minus strand). Cytogenetic location: 2p23.1.
Variant type: single nucleotide variant.
Coding change: c.586G>A on transcript NM_000348.4 (MANE Select); coding-DNA position 586, G replaced by A.
Protein change: p.Gly196Ser; replaces glycine 196 with serine.
Molecular consequence: missense variant.
Genome position (GRCh38, 1-based): chr2:31,529,419, C>T on the plus strand (G>A on the coding strand, the complement: SRD5A2 is on the minus strand). VCF-style: chr2-31529419-C-T. GRCh37 (hg19) VCF-style: chr2-31754489-C-T.
Other names: short protein forms G196S.
Identifiers: ClinVar variation 3345 (VCV000003345.27), dbSNP rs121434250, ClinGen allele CA340079.